The following is an entry in ClinVar:

GRCh38/hg38 11p13-12(chr11:35135480-37649168)x1

Genes: CD44 (CD44 molecule (IN blood group); plus strand), CD44-AS1 (CD44 antisense RNA 1; minus strand), CD44-DT (CD44 divergent transcript; minus strand), COMMD9 (COMM domain containing 9; minus strand), FJX1 (four-jointed box kinase 1; plus strand) and 53 more. Cytogenetic location: 11p13-12.
Variant type: copy number loss.
Change: copy number 1 (one copy instead of two) of chr11:35,135,480-37,649,168 (2.51 Mb, GRCh38 coordinates, 1-based), cytogenetic band 11p13-12.
Identifiers: ClinVar variation 57374 (VCV000057374.1).

ClinVar aggregate classification (germline): Uncertain significance (1 of 4 stars; one submission).

Submission:

ISCA site 4
Classification: Uncertain significance. Last evaluated: 2011-08-12. Review status: criteria provided, single submitter. Criteria: Kaminsky et al. (Genet Med. 2011). Collection method: clinical testing. Allele origin: unknown. Affected: yes. Observed: 1 variant allele.
Comment: Copy number variation identified through the course of routine clinical cytogenomic testing in postnatal populations. Clinical assertions have been curated as described in Kaminsky et al. 2011.